The following is an entry in ClinVar:

ClinVar aggregate classification (germline): Uncertain significance (1 of 4 stars; one submission).

Conditions:
Long QT syndrome (LQTS). Identifiers: MedGen C0023976, MeSH D008133, MONDO:0002442. Disease mechanism: loss of function. Inheritance: Various modes of inheritance.

Submission:

All of Us Research Program, National Institutes of Health
Classification: Uncertain significance for Long QT syndrome. Last evaluated: 2023-12-18. Review status: criteria provided, single submitter. Criteria: ACMG Guidelines, 2015. Collection method: clinical testing. Allele origin: germline. Inheritance: Autosomal dominant inheritance. Observed: 1 variant allele, 1 heterozygote.
Comment: This missense variant replaces aspartic acid with tyrosine at codon 428 of the KCNQ1 protein. Computational prediction is inconclusive regarding the impact of this variant on protein structure and function (internally defined REVEL score threshold 0.5 < inconclusive < 0.7, PMID: 27666373). To our knowledge, functional studies have not been reported for this variant. This variant has not been reported in individuals affected with KCNQ1-related disorders in the literature. This variant has not been identified in the general population by the Genome Aggregation Database (gnomAD). The available evidence is insufficient to determine the role of this variant in disease conclusively. Therefore, this variant is classified as a Variant of Uncertain Significance.

This study involves interpretation of variants in research participants for the purpose of population health screening. Participant phenotype was not available at the time of variant classification. Additional details can be found in publication PMID: 35346344, PMCID: PMC8962531

NM_000218.3(KCNQ1):c.1282G>T (p.Asp428Tyr)

Gene: KCNQ1 (potassium voltage-gated channel subfamily Q member 1; plus strand). Cytogenetic location: 11p15.5.
Variant type: single nucleotide variant.
Coding change: c.1282G>T on transcript NM_000218.3 (MANE Select); coding-DNA position 1282, G replaced by T.
Protein change: p.Asp428Tyr; replaces aspartic acid 428 with tyrosine.
Molecular consequence: missense variant.
Genome position (GRCh38, 1-based): chr11:2,588,743, G>T. VCF-style: chr11-2588743-G-T. GRCh37 (hg19) VCF-style: chr11-2609973-G-T.
Other names: c.1186G>T, p.Asp396Tyr (NM_001406836.1); c.1012G>T, p.Asp338Tyr (NM_001406837.1); c.742G>T, p.Asp248Tyr (NM_001406838.1); c.901G>T, p.Asp301Tyr (NM_181798.2); short protein forms D248Y, D301Y, D338Y, D396Y, D428Y.
Identifiers: ClinVar variation 3075200 (VCV003075200.1), dbSNP rs2493708320, ClinGen allele CA379134966.